The following is an entry in ClinVar:

NM_012293.3(PXDN):c.2569T>G (p.Cys857Gly)

Gene: PXDN (peroxidasin; minus strand). Cytogenetic location: 2p25.3.
Variant type: single nucleotide variant.
Coding change: c.2569T>G on transcript NM_012293.3 (MANE Select); coding-DNA position 2569, T replaced by G.
Protein change: p.Cys857Gly; replaces cysteine 857 with glycine.
Molecular consequence: missense variant.
Genome position (GRCh38, 1-based): chr2:1,649,211, A>C on the plus strand (T>G on the coding strand, the complement: PXDN is on the minus strand). VCF-style: chr2-1649211-A-C. GRCh37 (hg19) VCF-style: chr2-1652983-A-C.
Other names: short protein forms C857G.
Identifiers: ClinVar variation 3049442 (VCV003049442.2), dbSNP rs1682948313, ClinGen allele CA345706576.
Genomic context (GRCh38, chr2:1,649,211, plus strand): 5'-ACATGCAGCGGGCCCCGCTCCTGGCCCGGGAGTCATTGGGGGGGATCATGACAGAGAAGC[A>C]GGGGGGGTCGTTGCTGCACACGTTGCTGCAGTGCTGTCCGTCGGAGAAGCGTGCCTGGCT-3'
Protein context (NP_036425.1, residues 847-867): CSNVCSNDPP[Cys857Gly]FSVMIPPNDS

ClinVar aggregate classification (germline): Uncertain significance (0 of 4 stars; one submission).

Conditions:
PXDN-related disorder. Also called: PXDN-related condition.

Submission:

PreventionGenetics, part of Exact Sciences
Classification: Uncertain significance for PXDN-related condition. Last evaluated: 2023-10-19. Review status: no assertion criteria provided. Collection method: clinical testing. Allele origin: germline.
Comment: The PXDN c.2569T>G variant is predicted to result in the amino acid substitution p.Cys857Gly. To our knowledge, this variant has not been reported in the literature or in a large population database, indicating this variant is rare. At this time, the clinical significance of this variant is uncertain due to the absence of conclusive functional and genetic evidence.